The following continues an entry in ClinVar:

NM_000059.4(BRCA2):c.4631del (p.Asn1544fs)

Gene: BRCA2. ClinVar aggregate classification (germline): Pathogenic. Pathogenic (1).

Submissions 25 to 28 of 28:

Sharing Clinical Reports Project (SCRP)
Classification: Pathogenic for Breast-ovarian cancer, familial 2. Last evaluated: 2014-03-12. Review status: no assertion criteria provided. Collection method: clinical testing. Allele origin: germline. Not counted in ClinVar's aggregate classification.

Research Molecular Genetics Laboratory, Women's College Hospital, University of Toronto
Classification: Pathogenic for Hereditary breast ovarian cancer syndrome. Last evaluated: 2014-01-31. Review status: no assertion criteria provided. Collection method: research. Allele origin: germline. Affected: yes. Study: The Canadian Open Genetics Repository (COGR). Not counted in ClinVar's aggregate classification.

Breast Cancer Information Core (BIC) (BRCA2)
Classification: Pathogenic for Breast-ovarian cancer, familial 2. Last evaluated: 2002-05-29. Review status: no assertion criteria provided. Collection method: clinical testing. Allele origin: germline. Affected: yes. Observed: 13 variant alleles. Not counted in ClinVar's aggregate classification.

Department of Pathology and Laboratory Medicine, Sinai Health System
Classification: Pathogenic. Review status: no assertion criteria provided. Collection method: clinical testing. Allele origin: unknown. Affected: yes. Observed: 11 variant alleles. Study: The Canadian Open Genetics Repository (COGR). Not counted in ClinVar's aggregate classification.
Comment: The BRCA2 p.Asn1544Thrfs*24 variant was identified in 8 of 5746 proband chromosomes (frequency: 0.001) from individuals or families with hereditary breast and ovarian cancer and was not identified in 692 control chromosomes from healthy individuals (De Leon Matsuda 2002, Hopper 1999, Kurian 2008, Risch 2001, Zhang 2011). The variant was also identified in the following databases: dbSNP (ID: rs80359461) as â€šÃ„ÃºWith Pathogenic alleleâ€šÃ„Ã¹, ClinVar (10x as pathogenic, reviewed by expert panel), Clinvitae (8x as pathogenic, 1x as likely pathogenic and 1x as uncertain significance), and ARUP Laboratories (as definitely pathogenic). The variant was not identified in Cosmic, MutDB, LOVD 3.0, UMD-LSDB, BIC Database, or the Zhejiang Colon Cancer Database. The variant was also identified by our laboratory in 4 individuals with ovarian cancer. The variant is reported in the literature as a founder mutation in the Philippines (De Leon Matsuda 2002, Ferla 2007, Shanmughapriya 2013). The variant was not identified in the 1000 Genomes Project, the NHLBI GO Exome Sequencing Project or the Exome Aggregation Consortium (August 8th 2016). The p.Asn1544Thrfs*24 variant is predicted to cause a frameshift, which alters the protein's amino acid sequence beginning at codon 1544 and leads to a premature stop codon at position 1567. This alteration is then predicted to result in a truncated or absent protein and loss of function. Loss of function variants of the BRCA2 gene are an established mechanism of disease in hereditary breast and ovarian cancer and is the type of variant expected to cause the disorder. In summary, based on the above information this variant meets our laboratoryâ€šÃ„Ã´s criteria to be classified as pathogenic.

Literature cited by the submitters: PubMed 10498392 (cited by 6 submitters); PubMed 11179017 (cited by 4 submitters); PubMed 11920621 (cited by 9 submitters); PubMed 18779604 (cited by Ambry Genetics and Counsyl); PubMed 21324516 (cited by 8 submitters); PubMed 20104584 (cited by Labcorp Genetics (formerly Invitae), Labcorp); PubMed 17591843 (cited by 3 submitters); PubMed 32719484 (cited by Center for Genomic Medicine, Rigshospitalet, Copenhagen University Hospital and Quest Diagnostics Nichols Institute San Juan Capistrano); PubMed 29446198 (cited by 3 submitters); PubMed 17148771 (cited by All of Us Research Program, National Institutes of Health and Color Diagnostics, LLC DBA Color Health); PubMed 26681312 (cited by All of Us Research Program, National Institutes of Health and Color Diagnostics, LLC DBA Color Health); PubMed 27153395 (cited by All of Us Research Program, National Institutes of Health and Color Diagnostics, LLC DBA Color Health); PubMed 30430080 (cited by All of Us Research Program, National Institutes of Health and Color Diagnostics, LLC DBA Color Health); PubMed 20807450 (cited by 3 submitters); PubMed 29625052 (cited by Quest Diagnostics Nichols Institute San Juan Capistrano); PubMed 30322717 (cited by Quest Diagnostics Nichols Institute San Juan Capistrano); PubMed 31372034 (cited by 3 submitters); PubMed 32885271 (cited by Quest Diagnostics Nichols Institute San Juan Capistrano and Color Diagnostics, LLC DBA Color Health); PubMed 33084842 (cited by Quest Diagnostics Nichols Institute San Juan Capistrano); PubMed 33087929 (cited by Quest Diagnostics Nichols Institute San Juan Capistrano); PubMed 26295337 (cited by Quest Diagnostics Nichols Institute San Juan Capistrano); PubMed 9840533 (cited by Women's Health and Genetics/Laboratory Corporation of America, LabCorp).